The following is an entry in ClinVar:

ClinVar aggregate classification (germline): Likely pathogenic (1 of 4 stars; one submission).

Submission:

Dasa
Classification: Likely pathogenic. Last evaluated: 2026-03-02. Review status: criteria provided, single submitter. Criteria: DASA Assertion Criteria. Collection method: clinical testing. Allele origin: germline.
Comment: NM_001039591.3(USP9X):c.73C>T (p.Gln25*) is a nonsense variant in USP9X predicted to introduce a premature termination codon and is predicted to result in an absent or altered protein product. Loss of function is an established disease mechanism for USP9X (PMID: 26833328; PMID: 24607389; PMID: 28377321). Also, this variant is absent from population databases. Based on the currently available evidence, this variant is classified as likely pathogenic.

Literature cited by the submitters: PubMed 26833328; PubMed 24607389; PubMed 28377321.

NM_001039591.3(USP9X):c.73C>T (p.Gln25Ter)

Gene: USP9X (ubiquitin specific peptidase 9 X-linked; plus strand). Cytogenetic location: Xp11.4.
Variant type: single nucleotide variant.
Coding change: c.73C>T on transcript NM_001039591.3 (MANE Select); coding-DNA position 73, C replaced by T.
Protein change: p.Gln25Ter; replaces glutamine 25 with a stop codon.
Molecular consequence: nonsense.
Genome position (GRCh38, 1-based): chrX:41,123,701, C>T. VCF-style: chrX-41123701-C-T. GRCh37 (hg19) VCF-style: chrX-40982954-C-T.
Other names: c.73C>T, p.Gln25Ter (NM_001039590.3, NM_001410748.1, NM_001410749.1 and 1 more transcripts); short protein forms Q25*.
Identifiers: ClinVar variation 4852609 (VCV004852609.2).